The following is an entry in ClinVar:

ClinVar aggregate classification (germline): Uncertain significance (1 of 4 stars; one submission).

Submission:

Labcorp Genetics (formerly Invitae), Labcorp
Classification: Uncertain significance. Last evaluated: 2022-08-22. Review status: criteria provided, single submitter. Criteria: Invitae Variant Classification Sherloc (09022015). Collection method: clinical testing. Allele origin: germline.
Comment: This variant is not present in population databases (gnomAD no frequency). This sequence change replaces phenylalanine, which is neutral and non-polar, with valine, which is neutral and non-polar, at codon 126 of the GUF1 protein (p.Phe126Val). This variant has not been reported in the literature in individuals affected with GUF1-related conditions. In summary, the available evidence is currently insufficient to determine the role of this variant in disease. Therefore, it has been classified as a Variant of Uncertain Significance. Algorithms developed to predict the effect of missense changes on protein structure and function are either unavailable or do not agree on the potential impact of this missense change (SIFT: "Deleterious"; PolyPhen-2: "Benign"; Align-GVGD: "Class C0").

NM_021927.3(GUF1):c.376T>G (p.Phe126Val)

Gene: GUF1 (GTP binding elongation factor GUF1; plus strand). Cytogenetic location: 4p12.
Variant type: single nucleotide variant.
Coding change: c.376T>G on transcript NM_021927.3 (MANE Select); coding-DNA position 376, T replaced by G.
Protein change: p.Phe126Val; replaces phenylalanine 126 with valine.
Molecular consequence: missense variant. On other transcripts: 5 prime UTR variant (2).
Genome position (GRCh38, 1-based): chr4:44,680,792, T>G. VCF-style: chr4-44680792-T-G. GRCh37 (hg19) VCF-style: chr4-44682809-T-G.
Other names: c.-593T>G (NM_001345867.2); c.376T>G, p.Phe126Val (NM_001345868.2); c.-597T>G (NM_001345869.2); short protein forms F126V.
Identifiers: ClinVar variation 1937061 (VCV001937061.5), dbSNP rs2545489527, ClinGen allele CA356761124.